The following is an entry in ClinVar:

ClinVar aggregate classification (germline): Likely pathogenic (1 of 4 stars; one submission).

Submission:

GeneDx
Classification: Likely pathogenic. Last evaluated: 2024-03-04. Review status: criteria provided, single submitter. Criteria: GeneDx Variant Classification Process June 2021. Collection method: clinical testing. Allele origin: germline. Affected: yes.
Comment: Frameshift variant predicted to result in protein truncation or nonsense mediated decay in a gene for which loss-of-function is a known mechanism of disease; Not observed in large population cohorts (gnomAD); Has not been previously published as pathogenic or benign to our knowledge

NM_001845.6(COL4A1):c.4046del (p.Pro1349fs)

Gene: COL4A1 (collagen type IV alpha 1 chain; minus strand). Cytogenetic location: 13q34.
Variant type: Deletion.
Coding change: c.4046del on transcript NM_001845.6 (MANE Select); coding-DNA position 4046, one base deleted (C; older notation c.4046delC).
Protein change: p.Pro1349fs; shifts the reading frame from proline 1349.
Molecular consequence: frameshift variant.
Genome position (GRCh38, 1-based): chr13:110,164,966, G deleted on the plus strand (C on the coding strand, the reverse complement: COL4A1 is on the minus strand); the first of 6 consecutive G bases (chr13:110,164,966-110,164,971); deleting any one gives the same sequence. VCF-style (leftmost placement, unchanged base first): chr13-110164965-TG-T. GRCh37 (hg19) VCF-style: chr13-110817312-TG-T.
Other names: short protein forms P1349fs.
Identifiers: ClinVar variation 3340817 (VCV003340817.1).